The following is an entry in ClinVar:

ClinVar aggregate classification (germline): Uncertain significance (1 of 4 stars; one submission).

Submission:

CeGaT Center for Human Genetics Tuebingen
Classification: Uncertain significance. Last evaluated: 2023-07-01. Review status: criteria provided, single submitter. Criteria: CeGaT Center For Human Genetics Tuebingen Variant Classification Criteria Version 2. Collection method: clinical testing. Allele origin: germline. Affected: yes. Observed: 2 variant alleles.
Comment: GRIN2A: PM2, BP4

NM_001134407.3(GRIN2A):c.3989G>C (p.Ser1330Thr)

Gene: GRIN2A (glutamate ionotropic receptor NMDA type subunit 2A; minus strand). Cytogenetic location: 16p13.2.
Variant type: single nucleotide variant.
Coding change: c.3989G>C on transcript NM_001134407.3 (MANE Select); coding-DNA position 3989, G replaced by C.
Protein change: p.Ser1330Thr; replaces serine 1330 with threonine.
Molecular consequence: missense variant. On other transcripts: intron variant (1).
Genome position (GRCh38, 1-based): chr16:9,763,555, C>G on the plus strand (G>C on the coding strand, the complement: GRIN2A is on the minus strand). VCF-style: chr16-9763555-C-G. GRCh37 (hg19) VCF-style: chr16-9857412-C-G.
Other names: c.3989G>C, p.Ser1330Thr (NM_000833.5); c.3773-127G>C (NM_001134408.2); short protein forms S1330T.
Identifiers: ClinVar variation 807985 (VCV000807985.42), dbSNP rs1596374624, ClinGen allele CA394706409.